The following is an entry in ClinVar:

ClinVar aggregate classification (germline): Uncertain significance. Review status: criteria provided, multiple submitters, no conflicts (2 of 4 stars). 2 submissions from 2 submitters: Uncertain significance (2). Last evaluated 2024-06-05.

Conditions:
Fanconi anemia (FA). Also called: Fanconi's anemia. Identifiers: Orphanet 84, MedGen C0015625, MeSH D005199, MONDO:0019391.

gnomAD v4.1: 12 of 1,614,088 alleles (0.00074%); highest among the groups gnomAD compares: Non-Finnish European, 0.00093%; 1 homozygote.

Submissions (2):

Quest Diagnostics Nichols Institute San Juan Capistrano
Classification: Uncertain significance. Last evaluated: 2024-06-05. Review status: criteria provided, single submitter. Criteria: Quest Diagnostics criteria. Collection method: clinical testing. Allele origin: unknown.
Comment: The FANCA c.2432G>C (p.Gly811Ala) variant has not been reported in individuals with FANCA-related conditions in the published literature. The frequency of this variant in the general population, 0.000004 (1/251176 chromosomes (Genome Aggregation Database)), is uninformative in the assessment of its pathogenicity. Analysis of this variant using bioinformatics tools for the prediction of the effect of amino acid changes on protein structure and function yielded predictions that this variant is benign. Based on the available information, we are unable to determine the clinical significance of this variant.

Labcorp Genetics (formerly Invitae), Labcorp
Classification: Uncertain significance for Fanconi anemia. Last evaluated: 2024-04-10. Review status: criteria provided, single submitter. Criteria: Invitae Variant Classification Sherloc (09022015). Collection method: clinical testing. Allele origin: germline.
Comment: This sequence change replaces glycine, which is neutral and non-polar, with alanine, which is neutral and non-polar, at codon 811 of the FANCA protein (p.Gly811Ala). This variant is present in population databases (rs201152989, gnomAD 0.0009%). This variant has not been reported in the literature in individuals affected with FANCA-related conditions. Advanced modeling of protein sequence and biophysical properties (such as structural, functional, and spatial information, amino acid conservation, physicochemical variation, residue mobility, and thermodynamic stability) performed at Invitae indicates that this missense variant is not expected to disrupt FANCA protein function with a negative predictive value of 80%. In summary, the available evidence is currently insufficient to determine the role of this variant in disease. Therefore, it has been classified as a Variant of Uncertain Significance.

NM_000135.4(FANCA):c.2432G>C (p.Gly811Ala)

Gene: FANCA (FA complementation group A; minus strand). Cytogenetic location: 16q24.3.
Variant type: single nucleotide variant.
Coding change: c.2432G>C on transcript NM_000135.4 (MANE Select); coding-DNA position 2432, G replaced by C.
Protein change: p.Gly811Ala; replaces glycine 811 with alanine.
Molecular consequence: missense variant.
Genome position (GRCh38, 1-based): chr16:89,769,909, C>G on the plus strand (G>C on the coding strand, the complement: FANCA is on the minus strand). VCF-style: chr16-89769909-C-G. GRCh37 (hg19) VCF-style: chr16-89836317-C-G.
Other names: c.2432G>C, p.Gly811Ala (NM_001286167.3); short protein forms G811A.
Identifiers: ClinVar variation 2681897 (VCV002681897.5), dbSNP rs201152989, ClinGen allele CA8251728.
Genomic context (GRCh38, chr16:89,769,909, plus strand): 5'-AACAAGGAATCCCTCGTCCTACAGGTCAGGAGGCTGTCAAAGAGCGCAGGGACAGGAAGG[C>G]CAGCACCAGGTGCAGGAGGACCCACATCCACCTCTGGGAGCGCAGACCTGGACTCACCCA-3'
Protein context (NP_000126.2, residues 801-821): VDVGPPAPGA[Gly811Ala]LPVPALFDSL